The following is an entry in ClinVar:

ClinVar aggregate classification (germline): Uncertain significance (1 of 4 stars; one submission).

Conditions:
Pitt-Hopkins-like syndrome 2 (PTHSL2). Identifiers: Orphanet 221150, Orphanet 600663, MedGen C3280479, MONDO:0013690, OMIM 614325.

Submission:

Labcorp Genetics (formerly Invitae), Labcorp
Classification: Uncertain significance for Pitt-Hopkins-like syndrome 2. Last evaluated: 2023-08-23. Review status: criteria provided, single submitter. Criteria: Invitae Variant Classification Sherloc (09022015). Collection method: clinical testing. Allele origin: germline.
Comment: This sequence change replaces threonine, which is neutral and polar, with asparagine, which is neutral and polar, at codon 126 of the NRXN1 protein (p.Thr126Asn). This variant is not present in population databases (gnomAD no frequency). This variant has not been reported in the literature in individuals affected with NRXN1-related conditions. In summary, the available evidence is currently insufficient to determine the role of this variant in disease. Therefore, it has been classified as a Variant of Uncertain Significance. An algorithm developed to predict the effect of missense changes on protein structure and function (PolyPhen-2) suggests that this variant is likely to be disruptive.

NM_001330078.2(NRXN1):c.377C>A (p.Thr126Asn)

Gene: NRXN1 (neurexin 1; minus strand). Cytogenetic location: 2p16.3.
Variant type: single nucleotide variant.
Coding change: c.377C>A on transcript NM_001330078.2 (MANE Select); coding-DNA position 377, C replaced by A.
Protein change: p.Thr126Asn; replaces threonine 126 with asparagine.
Molecular consequence: missense variant.
Genome position (GRCh38, 1-based): chr2:51,027,897, G>T on the plus strand (C>A on the coding strand, the complement: NRXN1 is on the minus strand). VCF-style: chr2-51027897-G-T. GRCh37 (hg19) VCF-style: chr2-51255035-G-T.
Other names: c.377C>A, p.Thr126Asn (NM_001135659.3, NM_001330077.2, NM_001330079.2 and 15 more transcripts); short protein forms T126N.
Identifiers: ClinVar variation 2817959 (VCV002817959.3), dbSNP rs2468078667, ClinGen allele CA346824132.